The following is an entry in ClinVar:

NM_001963.6(EGF):c.1262del (p.Cys421fs)

Gene: EGF (epidermal growth factor; plus strand). Cytogenetic location: 4q25.
Variant type: Deletion.
Coding change: c.1262del on transcript NM_001963.6 (MANE Select); coding-DNA position 1262, one base deleted (G; older notation c.1262delG).
Protein change: p.Cys421fs; shifts the reading frame from cysteine 421.
Molecular consequence: frameshift variant.
Genome position (GRCh38, 1-based): chr4:109,961,935, G deleted. VCF-style (leftmost placement, unchanged base first): chr4-109961934-TG-T. GRCh37 (hg19) VCF-style: chr4-110883090-TG-T.
Other names: c.1262del, p.Cys421fs (NM_001178130.3); c.1136del, p.Cys379fs (NM_001178131.3, NM_001357021.2); short protein forms C379fs, C421fs.
Identifiers: ClinVar variation 3690167 (VCV003690167.2).
Genomic context (GRCh38, chr4:109,961,934, plus strand): 5'-TGTCCACGCAATGTGTCTGAATGCAGCCATGACTGTGTTCTGACATCAGAAGGTCCCTTA[TG>T]TTTCTGTCCTGAAGGCTCAGTGCTTGAGAGAGATGGGAAAACATGTAGCGGTGAGTTTAT-3'

ClinVar aggregate classification (germline): Uncertain significance (1 of 4 stars; one submission).

Submission:

Labcorp Genetics (formerly Invitae), Labcorp
Classification: Uncertain significance. Last evaluated: 2024-02-29. Review status: criteria provided, single submitter. Criteria: Invitae Variant Classification Sherloc (09022015). Collection method: clinical testing. Allele origin: germline.
Comment: This sequence change creates a premature translational stop signal (p.Cys421Phefs*97) in the EGF gene. It is expected to result in an absent or disrupted protein product. However, the current clinical and genetic evidence is not sufficient to establish whether loss-of-function variants in EGF cause disease. This variant is not present in population databases (gnomAD no frequency). This variant has not been reported in the literature in individuals affected with EGF-related conditions. In summary, the available evidence is currently insufficient to determine the role of this variant in disease. Therefore, it has been classified as a Variant of Uncertain Significance.